The following is an entry in ClinVar:

ClinVar aggregate classification (germline): Likely benign. Review status: criteria provided, multiple submitters, no conflicts (2 of 4 stars). 3 submissions from 3 submitters: Likely benign (3). Last evaluated 2025-07-01.

Conditions:
Early-infantile DEE. Also called: Early infantile epileptic encephalopathy; Ohtahara syndrome; Early infantile epileptic encephalopathy with suppression bursts. Identifiers: Orphanet 1934, MedGen C0393706, MONDO:0800491.
Inborn genetic diseases. Identifiers: MedGen C0950123, MeSH D030342.

Allele frequency attached by ClinVar (database versions not stated): ExAC 0.00002; gnomAD 0.00002 and 0.00003; TOPMed 0.00003.
gnomAD v4.1: 19 of 1,613,762 alleles (0.0012%); highest among the groups gnomAD compares: East Asian, 0.0045%; no homozygotes.

Submissions (3):

CeGaT Center for Human Genetics Tuebingen
Classification: Likely benign. Last evaluated: 2025-07-01. Review status: criteria provided, single submitter. Criteria: CeGaT Center For Human Genetics Tuebingen Variant Classification Criteria Version 2. Collection method: clinical testing. Allele origin: germline. Affected: yes. Observed: 1 variant allele.
Comment: HCN1: BP4, BP7

Labcorp Genetics (formerly Invitae), Labcorp
Classification: Likely benign for Early-infantile DEE. Last evaluated: 2023-06-18. Review status: criteria provided, single submitter. Criteria: Invitae Variant Classification Sherloc (09022015). Collection method: clinical testing. Allele origin: germline.

Ambry Genetics
Classification: Likely benign for Inborn genetic diseases. Last evaluated: 2016-12-15. Review status: criteria provided, single submitter. Criteria: Ambry Variant Classification Scheme 2023. Collection method: clinical testing. Allele origin: germline.

NM_021072.4(HCN1):c.1143C>T (p.Val381=)

Gene: HCN1 (hyperpolarization activated cyclic nucleotide gated potassium channel 1; minus strand). Cytogenetic location: 5p12.
Variant type: single nucleotide variant.
Coding change: c.1143C>T on transcript NM_021072.4 (MANE Select); coding-DNA position 1143, C replaced by T.
Protein change: p.Val381=; no amino-acid change (valine 381 retained).
Molecular consequence: synonymous variant.
Genome position (GRCh38, 1-based): chr5:45,396,579, G>A on the plus strand (C>T on the coding strand, the complement: HCN1 is on the minus strand). VCF-style: chr5-45396579-G-A. GRCh37 (hg19) VCF-style: chr5-45396681-G-A.
Identifiers: ClinVar variation 588618 (VCV000588618.25), dbSNP rs761760627, ClinGen allele CA3259357.
Genomic context (GRCh38, chr5:45,396,579, plus strand): 5'-ATCCAGAGACTGGATTAAAGCGGTGGCATGGCCGACAAACATGGCATAGCAGGTGGCCCC[G>A]ACGATCATGCTCAGCATGGTAATCCAGAGGTCAGACATGCTGACTGGGGCTTGGGCTCCA-3'
Protein context (NP_066550.2, residues 371-391): DLWITMLSMI[Val381=]GATCYAMFVG